The following is an entry in ClinVar:

NM_006073.4(TRDN):c.829T>G (p.Phe277Val)

Gene: TRDN (triadin; minus strand). Cytogenetic location: 6q22.31.
Variant type: single nucleotide variant.
Coding change: c.829T>G on transcript NM_006073.4 (MANE Select); coding-DNA position 829, T replaced by G.
Protein change: p.Phe277Val; replaces phenylalanine 277 with valine.
Molecular consequence: missense variant. On other transcripts: intron variant (1).
Genome position (GRCh38, 1-based): chr6:123,497,217, A>C on the plus strand (T>G on the coding strand, the complement: TRDN is on the minus strand). VCF-style: chr6-123497217-A-C. GRCh37 (hg19) VCF-style: chr6-123818362-A-C.
Other names: c.829T>G, p.Phe277Val (NM_001251987.2); c.793+6502T>G (NM_001256020.2); c.829T>G (NM_006073.2); short protein forms F277V.
Identifiers: ClinVar variation 2038907 (VCV002038907.5), dbSNP rs2534274767, ClinGen allele CA365567287.

ClinVar aggregate classification (germline): Uncertain significance. Review status: criteria provided, multiple submitters, no conflicts (2 of 4 stars). 2 submissions from 2 submitters: Uncertain significance (2). Last evaluated 2024-06-07.

Conditions:
Cardiovascular phenotype. Identifiers: MedGen CN230736.
Catecholaminergic polymorphic ventricular tachycardia 1. Also called: VENTRICULAR TACHYCARDIA, CATECHOLAMINERGIC POLYMORPHIC, 1, WITH OR WITHOUT ATRIAL DYSFUNCTION AND/OR DILATED CARDIOMYOPATHY; RYR2-Related Catecholaminergic Polymorphic Ventricular Tachycardia; VENTRICULAR TACHYCARDIA, STRESS-INDUCED POLYMORPHIC 1. Identifiers: Orphanet 3286, MedGen C1631597, MONDO:0011484, OMIM 604772.

Submissions (2):

Ambry Genetics
Classification: Uncertain significance for Cardiovascular phenotype. Last evaluated: 2024-06-07. Review status: criteria provided, single submitter. Criteria: Ambry Variant Classification Scheme 2023. Collection method: clinical testing. Allele origin: germline.

Labcorp Genetics (formerly Invitae), Labcorp
Classification: Uncertain significance for Catecholaminergic polymorphic ventricular tachycardia 1. Last evaluated: 2021-12-09. Review status: criteria provided, single submitter. Criteria: Invitae Variant Classification Sherloc (09022015). Collection method: clinical testing. Allele origin: germline.
Comment: In summary, the available evidence is currently insufficient to determine the role of this variant in disease. Therefore, it has been classified as a Variant of Uncertain Significance. Algorithms developed to predict the effect of sequence changes on RNA splicing suggest that this variant may create or strengthen a splice site. Algorithms developed to predict the effect of missense changes on protein structure and function are either unavailable or do not agree on the potential impact of this missense change (SIFT: "Tolerated"; PolyPhen-2: "Probably Damaging"; Align-GVGD: "Class C0"). This variant has not been reported in the literature in individuals affected with TRDN-related conditions. This variant is not present in population databases (gnomAD no frequency). This sequence change replaces phenylalanine, which is neutral and non-polar, with valine, which is neutral and non-polar, at codon 277 of the TRDN protein (p.Phe277Val).